The following is an entry in ClinVar:

ClinVar aggregate classification (germline): Likely benign. Review status: criteria provided, multiple submitters, no conflicts (2 of 4 stars). 3 submissions from 3 submitters: Likely benign (2). 1 of the submissions does not count toward it. Last evaluated 2026-02-03.

Conditions:
Inborn genetic diseases. Identifiers: MedGen C0950123, MeSH D030342.
GPAA1-related disorder. Also called: GPAA1-related condition.

Allele frequency attached by ClinVar (database versions not stated): ESP Exome Variant Server 0.00016; TOPMed 0.00018; ExAC 0.00037; 1000 Genomes Project 0.00040; 1000 Genomes Project 30x 0.00047.

Submissions (3):

Labcorp Genetics (formerly Invitae), Labcorp
Classification: Likely benign. Last evaluated: 2026-02-03. Review status: criteria provided, single submitter. Criteria: Invitae Variant Classification Sherloc (09022015). Collection method: clinical testing. Allele origin: germline.

Ambry Genetics
Classification: Likely benign for Inborn genetic diseases. Last evaluated: 2022-04-11. Review status: criteria provided, single submitter. Criteria: Ambry Variant Classification Scheme 2023. Collection method: clinical testing. Allele origin: germline.

PreventionGenetics, part of Exact Sciences
Classification: Likely benign for GPAA1-related condition. Last evaluated: 2022-06-11. Review status: no assertion criteria provided. Collection method: clinical testing. Allele origin: germline. Not counted in ClinVar's aggregate classification.
Comment: This variant is classified as likely benign based on ACMG/AMP sequence variant interpretation guidelines (Richards et al. 2015 PMID: 25741868, with internal and published modifications).

NM_003801.4(GPAA1):c.314C>T (p.Thr105Met)

Gene: GPAA1 (glycosylphosphatidylinositol anchor attachment 1; plus strand). Cytogenetic location: 8q24.3.
Variant type: single nucleotide variant.
Coding change: c.314C>T on transcript NM_003801.4 (MANE Select); coding-DNA position 314, C replaced by T.
Protein change: p.Thr105Met; replaces threonine 105 with methionine.
Molecular consequence: missense variant.
Genome position (GRCh38, 1-based): chr8:144,083,448, C>T. VCF-style: chr8-144083448-C-T. GRCh37 (hg19) VCF-style: chr8-145138351-C-T.
Other names: c.314C>T (NM_003801.3); short protein forms T105M.
Identifiers: ClinVar variation 1391157 (VCV001391157.9), dbSNP rs201424010, ClinGen allele CA4932770.